The following is an entry in ClinVar:

NM_182914.3(SYNE2):c.2165A>G (p.His722Arg)

Gene: SYNE2 (spectrin repeat containing nuclear envelope protein 2; plus strand). Cytogenetic location: 14q23.2.
Variant type: single nucleotide variant.
Coding change: c.2165A>G on transcript NM_182914.3 (MANE Select); coding-DNA position 2165, A replaced by G.
Protein change: p.His722Arg; replaces histidine 722 with arginine.
Molecular consequence: missense variant.
Genome position (GRCh38, 1-based): chr14:63,986,469, A>G. VCF-style: chr14-63986469-A-G. GRCh37 (hg19) VCF-style: chr14-64453187-A-G.
Other names: c.2165A>G, p.His722Arg (NM_015180.6); short protein forms H722R.
Identifiers: ClinVar variation 2970020 (VCV002970020.3), dbSNP rs2096626700, ClinGen allele CA389968158.
Genomic context (GRCh38, chr14:63,986,469, plus strand): 5'-TTATGTACATGCTGACATTTTCTCAGTGGTACTTTTGAATGTTGTAGGCTGGAGAGAAAC[A>G]TGAAAAAGAAAATGAAGAATTCACAGGGCAACTAAAAGTGGCTAAAGATGTTGAAAAACT-3'
Protein context (NP_878918.2, residues 712-732): YNQNIKAGEK[His722Arg]EKENEEFTGQ

ClinVar aggregate classification (germline): Uncertain significance (1 of 4 stars; one submission).

Conditions:
Emery-Dreifuss muscular dystrophy 5, autosomal dominant (EDMD5). Also called: EMERY-DREIFUSS MUSCULAR DYSTROPHY 5. Identifiers: Orphanet 261, MedGen C2751805, MONDO:0013072, OMIM 612999.

Submission:

Labcorp Genetics (formerly Invitae), Labcorp
Classification: Uncertain significance for Emery-Dreifuss muscular dystrophy 5, autosomal dominant. Last evaluated: 2023-06-27. Review status: criteria provided, single submitter. Criteria: Invitae Variant Classification Sherloc (09022015). Collection method: clinical testing. Allele origin: germline.
Comment: This sequence change replaces histidine, which is basic and polar, with arginine, which is basic and polar, at codon 722 of the SYNE2 protein (p.His722Arg). In summary, the available evidence is currently insufficient to determine the role of this variant in disease. Therefore, it has been classified as a Variant of Uncertain Significance. Algorithms developed to predict the effect of missense changes on protein structure and function output the following: SIFT: "Not Available"; PolyPhen-2: "Benign"; Align-GVGD: "Not Available". The arginine amino acid residue is found in multiple mammalian species, which suggests that this missense change does not adversely affect protein function. This variant has not been reported in the literature in individuals affected with SYNE2-related conditions. This variant is not present in population databases (gnomAD no frequency).